The following is an entry in ClinVar:

ClinVar aggregate classification (germline): Conflicting classifications of pathogenicity. Review status: criteria provided, conflicting classifications (1 of 4 stars). 2 submissions from 2 submitters: Uncertain significance (1); Likely benign (1). Last evaluated 2025-10-15.

Conditions:
Inborn genetic diseases. Identifiers: MedGen C0950123, MeSH D030342.

Allele frequency attached by ClinVar (database versions not stated): ExAC 0.00007; gnomAD 0.00008; TOPMed 0.00009; gnomAD exomes 0.00011.

Submissions (2):

Ambry Genetics
Classification: Uncertain significance for Inborn genetic diseases. Last evaluated: 2025-10-15. Review status: criteria provided, single submitter. Criteria: Ambry Variant Classification Scheme 2023. Collection method: clinical testing. Allele origin: germline.

CeGaT Center for Human Genetics Tuebingen
Classification: Likely benign. Last evaluated: 2024-03-01. Review status: criteria provided, single submitter. Criteria: CeGaT Center For Human Genetics Tuebingen Variant Classification Criteria Version 2. Collection method: clinical testing. Allele origin: germline. Affected: yes. Observed: 1 variant allele.
Comment: USP27X: PP2, BP4, BS2

NM_001145073.3(USP27X):c.59G>C (p.Gly20Ala)

Gene: USP27X (ubiquitin specific peptidase 27 X-linked; plus strand). Cytogenetic location: Xp11.23.
Variant type: single nucleotide variant.
Coding change: c.59G>C on transcript NM_001145073.3 (MANE Select); coding-DNA position 59, G replaced by C.
Protein change: p.Gly20Ala; replaces glycine 20 with alanine.
Molecular consequence: missense variant.
Genome position (GRCh38, 1-based): chrX:49,880,366, G>C. VCF-style: chrX-49880366-G-C. GRCh37 (hg19) VCF-style: chrX-49644969-G-C.
Other names: short protein forms G20A.
Identifiers: ClinVar variation 2594085 (VCV002594085.23), dbSNP rs782459304, ClinGen allele CA10413389.